The following is an entry in ClinVar:

NM_004369.4(COL6A3):c.6443G>A (p.Arg2148Lys)

Gene: COL6A3 (collagen type VI alpha 3 chain; minus strand). Cytogenetic location: 2q37.3.
Variant type: single nucleotide variant.
Coding change: c.6443G>A on transcript NM_004369.4 (MANE Select); coding-DNA position 6443, G replaced by A.
Protein change: p.Arg2148Lys; replaces arginine 2148 with lysine.
Molecular consequence: missense variant.
Genome position (GRCh38, 1-based): chr2:237,358,549, C>T on the plus strand (G>A on the coding strand, the complement: COL6A3 is on the minus strand). VCF-style: chr2-237358549-C-T. GRCh37 (hg19) VCF-style: chr2-238267192-C-T.
Other names: c.4622G>A, p.Arg1541Lys (NM_057166.5); c.5825G>A, p.Arg1942Lys (NM_057167.4); short protein forms R1541K, R1942K, R2148K.
Identifiers: ClinVar variation 647520 (VCV000647520.11), dbSNP rs1574973805, ClinGen allele CA351215359.
Genomic context (GRCh38, chr2:237,358,549, plus strand): 5'-AGGTCTGAAATCGTCAATAAAGAAATCTTTACCGGGTCCCCTCGAATCCCAACATCTCCT[C>T]TTTCTCCTTTCTCTCCTCGAGGTCCTTTATCACCCTAAAGAAAAAGCACAAGTGGATGCT-3'
Protein context (NP_004360.2, residues 2138-2158): DKGPRGEKGE[Arg2148Lys]GDVGIRGDPG

ClinVar aggregate classification (germline): Uncertain significance (1 of 4 stars; one submission).

Conditions:
Bethlem myopathy 1A. Also called: Bethlem Muscular Dystrophy; Bethlem myopathy 1; MYOPATHY, BENIGN CONGENITAL, WITH CONTRACTURES. Identifiers: Orphanet 610, MedGen CN029274, MONDO:0024530, OMIM 158810.

Submission:

Labcorp Genetics (formerly Invitae), Labcorp
Classification: Uncertain significance for Bethlem myopathy 1A. Last evaluated: 2022-10-17. Review status: criteria provided, single submitter. Criteria: Invitae Variant Classification Sherloc (09022015). Collection method: clinical testing. Allele origin: germline.
Comment: Advanced modeling of protein sequence and biophysical properties (such as structural, functional, and spatial information, amino acid conservation, physicochemical variation, residue mobility, and thermodynamic stability) performed at Invitae indicates that this missense variant is not expected to disrupt COL6A3 protein function. ClinVar contains an entry for this variant (Variation ID: 647520). This variant has not been reported in the literature in individuals affected with COL6A3-related conditions. This variant is not present in population databases (gnomAD no frequency). This sequence change replaces arginine, which is basic and polar, with lysine, which is basic and polar, at codon 2148 of the COL6A3 protein (p.Arg2148Lys). In summary, the available evidence is currently insufficient to determine the role of this variant in disease. Therefore, it has been classified as a Variant of Uncertain Significance.